The following is an entry in ClinVar:

ClinVar aggregate classification (germline): Conflicting classifications of pathogenicity. Review status: criteria provided, conflicting classifications (1 of 4 stars). 5 submissions from 4 submitters: Uncertain significance (4); Likely benign (1). Last evaluated 2025-03-30.

Conditions:
Adult-onset proximal spinal muscular atrophy, autosomal dominant. Also called: FINKEL LATE-ADULT TYPE SMA; Spinal muscular atrophy, late-onset, finkel type. Identifiers: Orphanet 209335, MedGen C1854058, MONDO:0008453, OMIM 182980.
Amyotrophic lateral sclerosis type 8 (ALS8). Identifiers: Orphanet 803, MedGen C1837728, MONDO:0012077, OMIM 608627.
VAPB-related disorder. Also called: VAPB-related condition.
Inborn genetic diseases. Identifiers: MedGen C0950123, MeSH D030342.

Allele frequency attached by ClinVar (database versions not stated): gnomAD 0.00001; gnomAD exomes 0.00001 and 0.00002; ExAC 0.00002; TOPMed 0.00003.
gnomAD v4.1: 23 of 1,613,586 alleles (0.0014%); highest among the groups gnomAD compares: African/African-American, 0.0053%; no homozygotes.

Submissions (5):

PreventionGenetics, part of Exact Sciences
Classification: Uncertain significance for VAPB-related condition. Last evaluated: 2025-03-30. Review status: criteria provided, single submitter. Criteria: ACMG Guidelines, 2015. Collection method: clinical testing. Allele origin: germline.
Comment: The VAPB c.332C>T variant is predicted to result in the amino acid substitution p.Pro111Leu. This variant has been reported in an individual with amyotrophic lateral sclerosis (eTable 1, Grassano et al. 2022. PubMed ID: 35896380). This variant is reported in 0.0080% of alleles in individuals of African descent in gnomAD. At this time, the clinical significance of this variant is uncertain due to the absence of conclusive functional and genetic evidence.

Labcorp Genetics (formerly Invitae), Labcorp
Classification: Uncertain significance for Adult-onset proximal spinal muscular atrophy, autosomal dominant; Amyotrophic lateral sclerosis type 8. Last evaluated: 2023-12-28. Review status: criteria provided, single submitter. Criteria: Invitae Variant Classification Sherloc (09022015). Collection method: clinical testing. Allele origin: germline.
Comment: This sequence change replaces proline, which is neutral and non-polar, with leucine, which is neutral and non-polar, at codon 111 of the VAPB protein (p.Pro111Leu). This variant is present in population databases (rs777316448, gnomAD 0.004%). This missense change has been observed in individual(s) with amyotrophic lateral sclerosis (PMID: 35896380). ClinVar contains an entry for this variant (Variation ID: 338930). Advanced modeling of protein sequence and biophysical properties (such as structural, functional, and spatial information, amino acid conservation, physicochemical variation, residue mobility, and thermodynamic stability) performed at Invitae indicates that this missense variant is expected to disrupt VAPB protein function with a positive predictive value of 80%. In summary, the available evidence is currently insufficient to determine the role of this variant in disease. Therefore, it has been classified as a Variant of Uncertain Significance.

Ambry Genetics
Classification: Likely benign for Inborn genetic diseases. Last evaluated: 2021-07-11. Review status: criteria provided, single submitter. Criteria: Ambry Variant Classification Scheme 2023. Collection method: clinical testing. Allele origin: germline.

Illumina Laboratory Services, Illumina
Classification: Uncertain significance for Adult-onset proximal spinal muscular atrophy, autosomal dominant. Last evaluated: 2018-01-12. Review status: criteria provided, single submitter. Criteria: ICSL Variant Classification Criteria 13 December 2019. Collection method: clinical testing. Allele origin: germline.

Illumina Laboratory Services, Illumina
Classification: Uncertain significance for Amyotrophic lateral sclerosis type 8. Last evaluated: 2018-01-12. Review status: criteria provided, single submitter. Criteria: ICSL Variant Classification Criteria 13 December 2019. Collection method: clinical testing. Allele origin: germline.

Literature cited by the submitters: PubMed 35896380 (cited by Labcorp Genetics (formerly Invitae), Labcorp).

NM_004738.5(VAPB):c.332C>T (p.Pro111Leu)

Gene: VAPB (VAMP associated protein B and C; plus strand). Cytogenetic location: 20q13.32.
Variant type: single nucleotide variant.
Coding change: c.332C>T on transcript NM_004738.5 (MANE Select); coding-DNA position 332, C replaced by T.
Protein change: p.Pro111Leu; replaces proline 111 with leucine.
Molecular consequence: missense variant. On other transcripts: intron variant (1).
Genome position (GRCh38, 1-based): chr20:58,438,961, C>T. VCF-style: chr20-58438961-C-T. GRCh37 (hg19) VCF-style: chr20-57014017-C-T.
Other names: c.212-5116C>T (NM_001195677.2); short protein forms P111L.
Identifiers: ClinVar variation 338930 (VCV000338930.18), dbSNP rs777316448, ClinGen allele CA9924233.